The following is an entry in ClinVar:

ClinVar aggregate classification (germline): Conflicting classifications of pathogenicity. Review status: criteria provided, conflicting classifications (1 of 4 stars). 4 submissions from 4 submitters: Uncertain significance (1); Likely benign (3). Last evaluated 2026-05-12.

Conditions:
Achondrogenesis, type IA (ACG1A). Identifiers: Orphanet 932, Orphanet 93299, MedGen C0265273, MONDO:0008701, OMIM 200600.

Allele frequency attached by ClinVar (database versions not stated): gnomAD 0.00004; TOPMed 0.00008; gnomAD exomes 0.00012 and 0.00027; ExAC 0.00021.
gnomAD v4.1: 79 of 1,613,526 alleles (0.0049%); highest among the groups gnomAD compares: Admixed American, 0.13%; no homozygotes.

Submissions (4):

Women's Health and Genetics/Laboratory Corporation of America, LabCorp
Classification: Likely benign. Last evaluated: 2026-05-12. Review status: criteria provided, single submitter. Criteria: LabCorp Variant Classification Summary - May 2015. Collection method: clinical testing. Allele origin: germline.

Labcorp Genetics (formerly Invitae), Labcorp
Classification: Likely benign for Achondrogenesis, type IA. Last evaluated: 2026-01-07. Review status: criteria provided, single submitter. Criteria: Invitae Variant Classification Sherloc (09022015). Collection method: clinical testing. Allele origin: germline.

CeGaT Center for Human Genetics Tuebingen
Classification: Likely benign. Last evaluated: 2026-01-01. Review status: criteria provided, single submitter. Criteria: CeGaT Center For Human Genetics Tuebingen Variant Classification Criteria Version 2. Collection method: clinical testing. Allele origin: germline. Affected: yes. Observed: 2 variant alleles.
Comment: TRIP11: BP4, BP7

Illumina Laboratory Services, Illumina
Classification: Uncertain significance for Achondrogenesis, type IA. Last evaluated: 2018-01-12. Review status: criteria provided, single submitter. Criteria: ICSL Variant Classification Criteria 13 December 2019. Collection method: clinical testing. Allele origin: germline.

NM_004239.4(TRIP11):c.2829T>C (p.Phe943=)

Gene: TRIP11 (thyroid hormone receptor interactor 11; minus strand). Cytogenetic location: 14q32.12.
Variant type: single nucleotide variant.
Coding change: c.2829T>C on transcript NM_004239.4 (MANE Select); coding-DNA position 2829, T replaced by C.
Protein change: p.Phe943=; no amino-acid change (phenylalanine 943 retained).
Molecular consequence: synonymous variant.
Genome position (GRCh38, 1-based): chr14:92,005,147, A>G on the plus strand (T>C on the coding strand, the complement: TRIP11 is on the minus strand). VCF-style: chr14-92005147-A-G. GRCh37 (hg19) VCF-style: chr14-92471491-A-G.
Other names: c.2826T>C, p.Phe942= (NM_001321851.1).
Identifiers: ClinVar variation 314954 (VCV000314954.17), dbSNP rs758437737, ClinGen allele CA7313718.